The following is an entry in ClinVar:

NM_004608.4(TBX6):c.952G>A (p.Asp318Asn)

Gene: TBX6 (T-box transcription factor 6; minus strand). Cytogenetic location: 16p11.2.
Variant type: single nucleotide variant.
Coding change: c.952G>A on transcript NM_004608.4 (MANE Select); coding-DNA position 952, G replaced by A.
Protein change: p.Asp318Asn; replaces aspartic acid 318 with asparagine.
Molecular consequence: missense variant.
Genome position (GRCh38, 1-based): chr16:30,086,657, C>T on the plus strand (G>A on the coding strand, the complement: TBX6 is on the minus strand). VCF-style: chr16-30086657-C-T. GRCh37 (hg19) VCF-style: chr16-30097978-C-T.
Other names: short protein forms D318N.
Identifiers: ClinVar variation 4774011 (VCV004774011.1).

ClinVar aggregate classification (germline): Uncertain significance (1 of 4 stars; one submission).

Submission:

Labcorp Genetics (formerly Invitae), Labcorp
Classification: Uncertain significance. Last evaluated: 2025-09-15. Review status: criteria provided, single submitter. Criteria: Invitae Variant Classification Sherloc (09022015). Collection method: clinical testing. Allele origin: germline.
Comment: This sequence change replaces aspartic acid, which is acidic and polar, with asparagine, which is neutral and polar, at codon 318 of the TBX6 protein (p.Asp318Asn). This variant is not present in population databases (gnomAD no frequency). This variant has not been reported in the literature in individuals affected with TBX6-related conditions. Invitae Evidence Modeling of protein sequence and biophysical properties (such as structural, functional, and spatial information, amino acid conservation, physicochemical variation, residue mobility, and thermodynamic stability) indicates that this missense variant is not expected to disrupt TBX6 protein function with a negative predictive value of 80%. In summary, the available evidence is currently insufficient to determine the role of this variant in disease. Therefore, it has been classified as a Variant of Uncertain Significance.